The following is an entry in ClinVar:

NM_006766.5(KAT6A):c.818A>C (p.Lys273Thr)

Gene: KAT6A (lysine acetyltransferase 6A; minus strand). Cytogenetic location: 8p11.21.
Variant type: single nucleotide variant.
Coding change: c.818A>C on transcript NM_006766.5 (MANE Select); coding-DNA position 818, A replaced by C.
Protein change: p.Lys273Thr; replaces lysine 273 with threonine.
Molecular consequence: missense variant.
Genome position (GRCh38, 1-based): chr8:41,981,846, T>G on the plus strand (A>C on the coding strand, the complement: KAT6A is on the minus strand). VCF-style: chr8-41981846-T-G. GRCh37 (hg19) VCF-style: chr8-41839364-T-G.
Other names: c.818A>C, p.Lys273Thr (NM_001305878.2); short protein forms K273T.
Identifiers: ClinVar variation 3668709 (VCV003668709.2).
Genomic context (GRCh38, chr8:41,981,846, plus strand): 5'-CGTACATTCTACTACTAAATGAAACACCCATATTAGAAGGCAGAGATACTCACCGCATTT[T>G]TGCCTTGATCTCGACAGGAGCTGCATGTTTTACACTCGATGCACTGCCACCGTAAGGCCT-3'
Protein context (NP_006757.2, residues 263-283): KTCSSCRDQG[Lys273Thr]NADNMLFCDS

ClinVar aggregate classification (germline): Uncertain significance (1 of 4 stars; one submission).

Submission:

Labcorp Genetics (formerly Invitae), Labcorp
Classification: Uncertain significance. Last evaluated: 2024-03-28. Review status: criteria provided, single submitter. Criteria: Invitae Variant Classification Sherloc (09022015). Collection method: clinical testing. Allele origin: germline.
Comment: This sequence change replaces lysine, which is basic and polar, with threonine, which is neutral and polar, at codon 273 of the KAT6A protein (p.Lys273Thr). This variant is not present in population databases (gnomAD no frequency). This variant has not been reported in the literature in individuals affected with KAT6A-related conditions. Advanced modeling of protein sequence and biophysical properties (such as structural, functional, and spatial information, amino acid conservation, physicochemical variation, residue mobility, and thermodynamic stability) performed at Invitae indicates that this missense variant is not expected to disrupt KAT6A protein function with a negative predictive value of 80%. In summary, the available evidence is currently insufficient to determine the role of this variant in disease. Therefore, it has been classified as a Variant of Uncertain Significance.